The following is an entry in ClinVar:

ClinVar aggregate classification (germline): Likely pathogenic. Review status: criteria provided, multiple submitters, no conflicts (2 of 4 stars). 4 submissions from 4 submitters: Likely pathogenic (3). 1 of the submissions does not count toward it. Last evaluated 2026-07-06.

Conditions:
Polycystic kidney disease, adult type (PKD1). Also called: Polycystic Kidney Disease 1, Autosomal Dominant; Polycystic kidney disease 1; Polycystic kidney disease 1, severe; Polycystic Kidney, Autosomal Dominant; POLYCYSTIC KIDNEY DISEASE, ADULT, TYPE I; POLYCYSTIC KIDNEY DISEASE 1 WITH OR WITHOUT POLYCYSTIC LIVER DISEASE. Identifiers: MedGen C3149841, MONDO:0008263, OMIM 173900.
PKD1-related disorder. Also called: PKD1-related condition.

Submissions (4):

Victorian Clinical Genetics Services, Murdoch Childrens Research Institute
Classification: Likely pathogenic for Polycystic kidney disease, adult type. Last evaluated: 2026-07-06. Review status: criteria provided, single submitter. Criteria: ACMG Guidelines, 2015. Collection method: clinical testing. Allele origin: germline. Affected: yes.
Comment: This variant is classified as Likely pathogenic. Evidence in support of pathogenic classification: Variant is absent from gnomAD (v2, v3 and v4); This variant has strong previous evidence of pathogenicity in unrelated individuals. This variant has been classified as likely pathogenic by clinical laboratories in ClinVar, and reported in the literature in individuals with ADPKD (PMIDs: 12842373, 22383692, 30816285); Another missense variant comparable to the one identified in this case has limited previous evidence for pathogenicity. p.(Cys2373Ser) and p.(Cys2373Gly) have been classified as VUS by clinical laboratories in ClinVar. Additionally, p.(Cys2373Arg) and p.(Cys2373Trp) have been reported in the literature in individuals with ADPKD or renal ciliopathies (PMIDs: 30820006, 33226606, 27499327); Missense variant predicted to be damaging by in silico tool(s) or highly conserved with a major amino acid change. Additional information: Variant is predicted to result in a missense amino acid change from Cys to Tyr; This variant is heterozygous; This gene is associated with autosomal dominant disease. Polycystic kidney disease 1 (MIM#173900) is predominantly caused by monoallelic variants, with rare reports of biallelic variants causing disease (OMIM); No published functional evidence has been identified for this variant; Variant is located in the annotated REJ domain (DECIPHER); Loss of function is a known mechanism of disease in this gene and is associated with polycystic kidney disease 1 (MIM#173900); Inheritance information for this variant is not currently available in this individual.

Women's Health and Genetics/Laboratory Corporation of America, LabCorp
Classification: Likely pathogenic for Polycystic kidney disease, adult type. Last evaluated: 2026-02-23. Review status: criteria provided, single submitter. Criteria: LabCorp Variant Classification Summary - May 2015. Collection method: clinical testing. Allele origin: germline.
Comment: Variant summary: PKD1 c.7118G>A (p.Cys2373Tyr) results in a non-conservative amino acid change in the encoded protein sequence. Algorithms developed to predict the effect of missense changes on protein structure and function all suggest that this variant is likely to be disruptive. The variant was absent in 218206 control chromosomes. c.7118G>A has been observed in individuals affected with Autosomal Dominant Polycystic Kidney Disease 1 (Rossetti_2003, Rossetti_2012, Pandita_2019, Cristalli_2025). These data indicate that the variant is likely to be associated with disease. To our knowledge, no experimental evidence demonstrating an impact on protein function has been reported. The following publications have been ascertained in the context of this evaluation (PMID: 40428294, 30816285, 22383692, 12842373). ClinVar contains an entry for this variant (Variation ID: 3032634). Based on the evidence outlined above, the variant was classified as likely pathogenic.

Fulgent Genetics
Classification: Likely pathogenic for Polycystic kidney disease, adult type. Last evaluated: 2024-03-06. Review status: criteria provided, single submitter. Criteria: ACMG Guidelines, 2015. Collection method: clinical testing. Allele origin: germline.

PreventionGenetics, part of Exact Sciences
Classification: Likely pathogenic for PKD1-related condition. Last evaluated: 2023-12-08. Review status: no assertion criteria provided. Collection method: clinical testing. Allele origin: germline. Not counted in ClinVar's aggregate classification.
Comment: The PKD1 c.7118G>A variant is predicted to result in the amino acid substitution p.Cys2373Tyr. This variant has been reported in individuals with autosomal dominant polycystic kidney disease (ADPKD) (Rossetti et al. 2003. PubMed ID: 12842373; Pandita et al. 2019. PubMed ID: 30816285, Supplementary Table 2). This variant has not been reported in a large population database, indicating this variant is rare. Of note, different substitutions at the same codon have been reported in individuals with ADPKD (c.7117T>C, p.Cys2373Arg in Sekine et al. 2019. PubMed ID: 30820006, Supplemental Figure 2; c.7119C>G, p.Cys2373Trp in Suppl. Table S5 of Carrera et al. 2016. PubMed ID: 27499327 and Vaisitti et al. 2020. PubMed ID: 33226606). The p.Cys2373Tyr variant is interpreted as likely pathogenic.

Literature cited by the submitters: PubMed 30820006 (cited by Victorian Clinical Genetics Services, Murdoch Childrens Research Institute); PubMed 27499327 (cited by Victorian Clinical Genetics Services, Murdoch Childrens Research Institute); PubMed 33226606 (cited by Victorian Clinical Genetics Services, Murdoch Childrens Research Institute); PubMed 30816285 (cited by Victorian Clinical Genetics Services, Murdoch Childrens Research Institute and Women's Health and Genetics/Laboratory Corporation of America, LabCorp); PubMed 22383692 (cited by Victorian Clinical Genetics Services, Murdoch Childrens Research Institute and Women's Health and Genetics/Laboratory Corporation of America, LabCorp); PubMed 12842373 (cited by Victorian Clinical Genetics Services, Murdoch Childrens Research Institute and Women's Health and Genetics/Laboratory Corporation of America, LabCorp); PubMed 40428294 (cited by Women's Health and Genetics/Laboratory Corporation of America, LabCorp).

NM_001009944.3(PKD1):c.7118G>A (p.Cys2373Tyr)

Gene: PKD1 (polycystin 1, transient receptor potential channel interacting; minus strand). Cytogenetic location: 16p13.3.
Variant type: single nucleotide variant.
Coding change: c.7118G>A on transcript NM_001009944.3 (MANE Select); coding-DNA position 7118, G replaced by A.
Protein change: p.Cys2373Tyr; replaces cysteine 2373 with tyrosine.
Molecular consequence: missense variant.
Genome position (GRCh38, 1-based): chr16:2,106,896, C>T on the plus strand (G>A on the coding strand, the complement: PKD1 is on the minus strand). VCF-style: chr16-2106896-C-T. GRCh37 (hg19) VCF-style: chr16-2156897-C-T.
Other names: c.7118G>A, p.Cys2373Tyr (NM_000296.4); short protein forms C2373Y.
Identifiers: ClinVar variation 3032634 (VCV003032634.5), dbSNP rs2544784938, ClinGen allele CA394372012.